The following is an entry in ClinVar:

ClinVar aggregate classification (germline): Conflicting classifications of pathogenicity. Review status: criteria provided, conflicting classifications (1 of 4 stars). 2 submissions from 2 submitters: Uncertain significance (1); Likely benign (1). Last evaluated 2025-01-01.

Allele frequency attached by ClinVar (database versions not stated): gnomAD 0.00002; TOPMed 0.00003; gnomAD exomes 0.00007; ExAC 0.00010.
gnomAD v4.1: 109 of 1,613,696 alleles (0.0068%); highest among the groups gnomAD compares: South Asian, 0.087%; no homozygotes.

Submissions (2):

CeGaT Center for Human Genetics Tuebingen
Classification: Likely benign. Last evaluated: 2025-01-01. Review status: criteria provided, single submitter. Criteria: CeGaT Center For Human Genetics Tuebingen Variant Classification Criteria Version 2. Collection method: clinical testing. Allele origin: germline. Affected: yes. Observed: 1 variant allele.
Comment: FAT3: BP4, BS2

Ambry Genetics
Classification: Uncertain significance. Last evaluated: 2021-11-09. Review status: criteria provided, single submitter. Criteria: Ambry Variant Classification Scheme 2023. Collection method: clinical testing. Allele origin: germline.

NM_001367949.2(FAT3):c.6029G>A (p.Arg2010His)

Gene: FAT3 (FAT atypical cadherin 3; plus strand). Cytogenetic location: 11q14.3.
Variant type: single nucleotide variant.
Coding change: c.6029G>A on transcript NM_001367949.2 (MANE Select); coding-DNA position 6029, G replaced by A.
Protein change: p.Arg2010His; replaces arginine 2010 with histidine.
Molecular consequence: missense variant.
Genome position (GRCh38, 1-based): chr11:92,799,042, G>A. VCF-style: chr11-92799042-G-A. GRCh37 (hg19) VCF-style: chr11-92532208-G-A.
Other names: c.6029G>A, p.Arg2010His (NM_001008781.3); short protein forms R2010H.
Identifiers: ClinVar variation 2369204 (VCV002369204.15), dbSNP rs767862087, ClinGen allele CA6227222.